The following is an entry in ClinVar:

NM_002693.3(POLG):c.187T>C (p.Ser63Pro)

Genes: POLG (DNA polymerase gamma, catalytic subunit; minus strand), POLGARF (POLG alternative reading frame; minus strand). Cytogenetic location: 15q26.1.
Variant type: single nucleotide variant.
Coding change: c.187T>C on transcript NM_002693.3 (MANE Select); coding-DNA position 187, T replaced by C.
Protein change: p.Ser63Pro; replaces serine 63 with proline.
Molecular consequence: missense variant.
Genome position (GRCh38, 1-based): chr15:89,333,568, A>G on the plus strand (T>C on the coding strand, the complement: POLG is on the minus strand). VCF-style: chr15-89333568-A-G. GRCh37 (hg19) VCF-style: chr15-89876799-A-G.
Other names: c.187T>C, p.Ser63Pro (NM_001126131.2); short protein forms S63P.
Identifiers: ClinVar variation 1054134 (VCV001054134.13), dbSNP rs781006710, ClinGen allele CA7725164.

ClinVar aggregate classification (germline): Uncertain significance. Review status: criteria provided, multiple submitters, no conflicts (2 of 4 stars). 2 submissions from 2 submitters: Uncertain significance (2). Last evaluated 2020-07-21.

Conditions:
Progressive sclerosing poliodystrophy (MTDPS4A). Also called: NEURONAL DEGENERATION OF CHILDHOOD WITH LIVER DISEASE, PROGRESSIVE; Alpers-Huttenlocher Syndrome (AHS); ALPERS PROGRESSIVE INFANTILE POLIODYSTROPHY; Mitochondrial DNA Depletion Syndrome 4A; Alpers Syndrome; ALPERS DIFFUSE DEGENERATION OF CEREBRAL GRAY MATTER WITH HEPATIC CIRRHOSIS. Identifiers: Orphanet 726, MedGen C0205710, MONDO:0008758, OMIM 203700.

Allele frequency attached by ClinVar (database versions not stated): gnomAD exomes below 0.00001; ExAC 0.00001.
gnomAD v4.1: 1 of 1,610,884 alleles (0.000062%); highest among the groups gnomAD compares: Non-Finnish European, 0.000085%; no homozygotes.

Submissions (2):

Labcorp Genetics (formerly Invitae), Labcorp
Classification: Uncertain significance for Progressive sclerosing poliodystrophy. Last evaluated: 2020-07-21. Review status: criteria provided, single submitter. Criteria: Invitae Variant Classification Sherloc (09022015). Collection method: clinical testing. Allele origin: germline.
Comment: This sequence change replaces serine with proline at codon 63 of the POLG protein (p.Ser63Pro). The serine residue is weakly conserved and there is a moderate physicochemical difference between serine and proline. This variant is present in population databases (rs781006710, ExAC 0.002%). This variant has not been reported in the literature in individuals with POLG-related conditions. Algorithms developed to predict the effect of missense changes on protein structure and function output the following: SIFT: "Tolerated"; PolyPhen-2: "Benign"; Align-GVGD: "Class C0". The proline amino acid residue is found in multiple mammalian species, suggesting that this missense change does not adversely affect protein function. These predictions have not been confirmed by published functional studies and their clinical significance is uncertain. In summary, the available evidence is currently insufficient to determine the role of this variant in disease. Therefore, it has been classified as a Variant of Uncertain Significance.

Mayo Clinic Laboratories, Mayo Clinic
Classification: Uncertain significance. Last evaluated: 2019-10-20. Review status: criteria provided, single submitter. Criteria: ACMG Guidelines, 2015. Collection method: clinical testing. Allele origin: germline. Observed: 1 variant allele.